The following is an entry in ClinVar:

NM_001470.4(GABBR1):c.1-1G>A

Gene: GABBR1 (gamma-aminobutyric acid type B receptor subunit 1; minus strand). Cytogenetic location: 6p22.1.
Variant type: single nucleotide variant.
Coding change: c.1-1G>A on transcript NM_001470.4 (MANE Select); the canonical splice acceptor site of the intron before coding-DNA position 1, G replaced by A.
Molecular consequence: splice acceptor variant.
Genome position (GRCh38, 1-based): chr6:29,632,386, C>T on the plus strand (G>A on the coding strand, the complement: GABBR1 is on the minus strand). VCF-style: chr6-29632386-C-T. GRCh37 (hg19) VCF-style: chr6-29600163-C-T.
Other names: c.1-1G>A (NM_021904.4); c.-467-1G>A (NM_001319053.2).
Identifiers: ClinVar variation 3776498 (VCV003776498.1).

ClinVar aggregate classification (germline): Uncertain significance (1 of 4 stars; one submission).

Submission:

GeneDx
Classification: Uncertain significance. Last evaluated: 2024-10-01. Review status: criteria provided, single submitter. Criteria: GeneDx Variant Classification Process June 2021. Collection method: clinical testing. Allele origin: germline. Affected: yes.
Comment: Not observed at significant frequency in large population cohorts (gnomAD); Canonical splice site variant in a gene for which loss-of-function is not an established mechanism of disease; Has not been previously published as pathogenic or benign to our knowledge